The following is an entry in ClinVar:

ClinVar aggregate classification (germline): Conflicting classifications of pathogenicity. Review status: criteria provided, conflicting classifications (1 of 4 stars). 3 submissions from 1 submitter: Uncertain significance (1); Benign (2). Last evaluated 2018-01-12.

Conditions:
Atrial fibrillation, familial, 9 (ATFB9). Identifiers: MedGen C3151431, MONDO:0013513, OMIM 613980.
Andersen Tawil syndrome (LQT7). Also called: Potassium-sensitive periodic paralysis, ventricular ectopy, and dysmorphic features; ANDERSEN CARDIODYSRHYTHMIC PERIODIC PARALYSIS; LONG QT SYNDROME 7; PERIODIC PARALYSIS, POTASSIUM-SENSITIVE CARDIODYSRHYTHMIC TYPE; Andersen Syndrome. Identifiers: Orphanet 37553, MedGen C1563715, MONDO:0008222, OMIM 170390.
Short QT syndrome type 3. Identifiers: Orphanet 51083, MedGen C1865018, MONDO:0012314, OMIM 609622.

Allele frequency attached by ClinVar (database versions not stated): gnomAD 0.00125 and 0.00130; TOPMed 0.00149; 1000 Genomes Project 0.00220; 1000 Genomes Project 30x 0.00281.

Submissions (3):

Illumina Laboratory Services, Illumina
Classification: Benign for Short QT syndrome type 3. Last evaluated: 2018-01-12. Review status: criteria provided, single submitter. Criteria: ICSL Variant Classification Criteria 13 December 2019. Collection method: clinical testing. Allele origin: germline.
Comment: This variant was observed in the ICSL laboratory as part of a predisposition screen in an ostensibly healthy population. It had not been previously curated by ICSL or reported in the Human Gene Mutation Database (HGMD: prior to June 1st, 2018), and was therefore a candidate for classification through an automated scoring system. Utilizing variant allele frequency, disease prevalence and penetrance estimates, and inheritance mode, an automated score was calculated to assess if this variant is too frequent to cause the disease. Based on the score and internal cut-off values, a variant classified as benign is not then subjected to further curation. The score for this variant resulted in a classification of benign for this disease.

Illumina Laboratory Services, Illumina
Classification: Uncertain significance for Atrial fibrillation, familial, 9. Last evaluated: 2018-01-12. Review status: criteria provided, single submitter. Criteria: ICSL Variant Classification Criteria 13 December 2019. Collection method: clinical testing. Allele origin: germline.

Illumina Laboratory Services, Illumina
Classification: Benign for Andersen Tawil syndrome. Last evaluated: 2018-01-12. Review status: criteria provided, single submitter. Criteria: ICSL Variant Classification Criteria 13 December 2019. Collection method: clinical testing. Allele origin: germline.
Comment: the same text as in the submission from Illumina Laboratory Services, Illumina above.

NM_000891.3(KCNJ2):c.*766C>T

Gene: KCNJ2 (potassium inwardly rectifying channel subfamily J member 2; plus strand). Cytogenetic location: 17q24.3.
Variant type: single nucleotide variant.
Coding change: c.*766C>T on transcript NM_000891.3 (MANE Select); 766 bases downstream of the stop codon, C replaced by T.
Molecular consequence: 3 prime UTR variant.
Genome position (GRCh38, 1-based): chr17:70,177,089, C>T. VCF-style: chr17-70177089-C-T. GRCh37 (hg19) VCF-style: chr17-68173230-C-T.
Identifiers: ClinVar variation 324846 (VCV000324846.5), dbSNP rs186842823, ClinGen allele CA10649964.